The following is an entry in ClinVar:

ClinVar aggregate classification (germline): Pathogenic. Review status: criteria provided, multiple submitters, no conflicts (2 of 4 stars). 3 submissions from 3 submitters: Pathogenic (3). Last evaluated 2024-08-02.

Conditions:
Familial cancer of breast. Also called: Hereditary breast cancer; hereditary breast carcinoma; BREAST CANCER, FAMILIAL. Identifiers: Orphanet 227535, MedGen C0346153, MONDO:0016419, OMIM 114480. Disease mechanism: loss of function.
Fanconi anemia complementation group J. Also called: BRIP1-Related Fanconi Anemia. Identifiers: Orphanet 84, MedGen C1836860, MONDO:0012187, OMIM 609054.
Hereditary cancer-predisposing syndrome. Also called: Hereditary Cancer Syndrome; Neoplastic Syndromes, Hereditary; Hereditary neoplastic syndrome; Tumor predisposition. Identifiers: Orphanet 140162, MedGen C0027672, MeSH D009386, MONDO:0015356.

Submissions (3):

Ambry Genetics
Classification: Pathogenic for Hereditary cancer-predisposing syndrome. Last evaluated: 2024-08-02. Review status: criteria provided, single submitter. Criteria: Ambry Variant Classification Scheme 2023. Collection method: clinical testing. Allele origin: germline.
Comment: The p.S580* pathogenic mutation (also known as c.1739C>G), located in coding exon 11 of the BRIP1 gene, results from a C to G substitution at nucleotide position 1739. This changes the amino acid from a serine to a stop codon within coding exon 11. This variant is considered to be rare based on population cohorts in the Genome Aggregation Database (gnomAD). This alteration is expected to result in loss of function by premature protein truncation or nonsense-mediated mRNA decay. As such, this alteration is interpreted as a disease-causing mutation.

Myriad Genetics, Inc.
Classification: Pathogenic for Familial cancer of breast. Last evaluated: 2023-06-05. Review status: criteria provided, single submitter. Criteria: Myriad Autosomal Dominant, Autosomal Recessive and X-Linked Classification Criteria (2023). Collection method: clinical testing. Allele origin: unknown.
Comment: This variant is considered pathogenic. This variant creates a termination codon and is predicted to result in premature protein truncation.

Labcorp Genetics (formerly Invitae), Labcorp
Classification: Pathogenic for Familial cancer of breast; Fanconi anemia complementation group J. Last evaluated: 2021-03-26. Review status: criteria provided, single submitter. Criteria: Invitae Variant Classification Sherloc (09022015). Collection method: clinical testing. Allele origin: germline.
Comment: For these reasons, this variant has been classified as Pathogenic. This variant has not been reported in the literature in individuals with BRIP1-related conditions. ClinVar contains an entry for this variant (Variation ID: 819959). This variant is not present in population databases (ExAC no frequency). This sequence change creates a premature translational stop signal (p.Ser580*) in the BRIP1 gene. It is expected to result in an absent or disrupted protein product. Loss-of-function variants in BRIP1 are known to be pathogenic (PMID: 16116423, 17033622, 21964575).

Literature cited by the submitters: PubMed 16116423 (cited by Labcorp Genetics (formerly Invitae), Labcorp); PubMed 17033622 (cited by Labcorp Genetics (formerly Invitae), Labcorp); PubMed 21964575 (cited by Labcorp Genetics (formerly Invitae), Labcorp).

NM_032043.3(BRIP1):c.1739C>G (p.Ser580Ter)

Gene: BRIP1 (BRCA1 interacting DNA helicase 1; minus strand). Cytogenetic location: 17q23.2.
Variant type: single nucleotide variant.
Coding change: c.1739C>G on transcript NM_032043.3 (MANE Select); coding-DNA position 1739, C replaced by G.
Protein change: p.Ser580Ter; replaces serine 580 with a stop codon.
Molecular consequence: nonsense.
Genome position (GRCh38, 1-based): chr17:61,780,895, G>C on the plus strand (C>G on the coding strand, the complement: BRIP1 is on the minus strand). VCF-style: chr17-61780895-G-C. GRCh37 (hg19) VCF-style: chr17-59858256-G-C.
Other names: short protein forms S580*.
Identifiers: ClinVar variation 819959 (VCV000819959.13), dbSNP rs1356014648, ClinGen allele CA400480352.